The following is an entry in ClinVar:

ClinVar aggregate classification (germline): Uncertain significance. Review status: criteria provided, multiple submitters, no conflicts (2 of 4 stars). 2 submissions from 2 submitters: Uncertain significance (2). Last evaluated 2025-11-10.

Conditions:
Hereditary nonpolyposis colorectal neoplasms. Identifiers: MedGen C0009405, MeSH D003123.
Hereditary cancer-predisposing syndrome. Also called: Neoplastic Syndromes, Hereditary; Hereditary neoplastic syndrome; Tumor predisposition; Hereditary Cancer Syndrome. Identifiers: Orphanet 140162, MedGen C0027672, MeSH D009386, MONDO:0015356.

Submissions (2):

Ambry Genetics
Classification: Uncertain significance for Hereditary cancer-predisposing syndrome. Last evaluated: 2025-11-10. Review status: criteria provided, single submitter. Criteria: Ambry Variant Classification Scheme 2023. Collection method: clinical testing. Allele origin: germline.
Comment: The p.F363V variant (also known as c.1087T>G), located in coding exon 10 of the PMS2 gene, results from a T to G substitution at nucleotide position 1087. The phenylalanine at codon 363 is replaced by valine, an amino acid with highly similar properties. This amino acid position is conserved. In addition, this alteration is predicted to be deleterious by in silico analysis. Based on the available evidence, the clinical significance of this variant remains unclear.

Labcorp Genetics (formerly Invitae), Labcorp
Classification: Uncertain significance for Hereditary nonpolyposis colorectal neoplasms. Last evaluated: 2023-03-09. Review status: criteria provided, single submitter. Criteria: Invitae Variant Classification Sherloc (09022015). Collection method: clinical testing. Allele origin: germline.
Comment: This variant is not present in population databases (gnomAD no frequency). This sequence change replaces phenylalanine, which is neutral and non-polar, with valine, which is neutral and non-polar, at codon 363 of the PMS2 protein (p.Phe363Val). This variant has not been reported in the literature in individuals affected with PMS2-related conditions. In summary, the available evidence is currently insufficient to determine the role of this variant in disease. Therefore, it has been classified as a Variant of Uncertain Significance. Advanced modeling of protein sequence and biophysical properties (such as structural, functional, and spatial information, amino acid conservation, physicochemical variation, residue mobility, and thermodynamic stability) performed at Invitae indicates that this missense variant is expected to disrupt PMS2 protein function. ClinVar contains an entry for this variant (Variation ID: 1393741).

NM_000535.7(PMS2):c.1087T>G (p.Phe363Val)

Gene: PMS2 (PMS1 homolog 2, mismatch repair system component; minus strand). Cytogenetic location: 7p22.1.
Variant type: single nucleotide variant.
Coding change: c.1087T>G on transcript NM_000535.7 (MANE Select); coding-DNA position 1087, T replaced by G.
Protein change: p.Phe363Val; replaces phenylalanine 363 with valine.
Molecular consequence: missense variant. On other transcripts: non-coding transcript variant (1), intron variant (2).
Genome position (GRCh38, 1-based): chr7:5,989,857, A>C on the plus strand (T>G on the coding strand, the complement: PMS2 is on the minus strand). VCF-style: chr7-5989857-A-C. GRCh37 (hg19) VCF-style: chr7-6029488-A-C.
Other names: c.1087T>G, p.Phe363Val (NM_001322014.2); c.778T>G, p.Phe260Val (NM_001322015.2); c.583+2116T>G (NM_001322010.2); c.988+2116T>G (NM_001322006.2); c.682T>G, p.Phe228Val (NM_001322003.2, NM_001322004.2, NM_001322005.2 and 1 more transcripts); c.769T>G, p.Phe257Val (NM_001322007.2, NM_001322008.2); c.154T>G, p.Phe52Val (NM_001322011.2, NM_001322012.2); c.514T>G, p.Phe172Val (NM_001322013.2); and 1 more; short protein forms F228V, F257V, F363V, F52V, F172V, F260V.
Identifiers: ClinVar variation 1393741 (VCV001393741.7), dbSNP rs2128747692, ClinGen allele CA366742837.